The following is an entry in ClinVar:

NM_000090.4(COL3A1):c.2188G>T (p.Glu730Ter)

Gene: COL3A1 (collagen type III alpha 1 chain; plus strand). Cytogenetic location: 2q32.2.
Variant type: single nucleotide variant.
Coding change: c.2188G>T on transcript NM_000090.4 (MANE Select); coding-DNA position 2188, G replaced by T.
Protein change: p.Glu730Ter; replaces glutamic acid 730 with a stop codon.
Molecular consequence: nonsense.
Genome position (GRCh38, 1-based): chr2:188,999,536, G>T. VCF-style: chr2-188999536-G-T. GRCh37 (hg19) VCF-style: chr2-189864262-G-T.
Other names: short protein forms E730*.
Identifiers: ClinVar variation 2847674 (VCV002847674.4), dbSNP rs267599125, ClinGen allele CA349840775.

ClinVar aggregate classification (germline): Pathogenic. Review status: criteria provided, multiple submitters, no conflicts (2 of 4 stars). 2 submissions from 2 submitters: Pathogenic (2). Last evaluated 2025-03-25.

Conditions:
Familial thoracic aortic aneurysm and aortic dissection (TAAD). Also called: Thoracic aortic aneurysms and dissections. Identifiers: Orphanet 91387, MedGen C4707243, MONDO:0019625.
Ehlers-Danlos syndrome, type 4 (EDSVASC). Also called: Ehlers-Danlos syndrome vascular type; Ehlers Danlos syndrome, ecchymotic type; Ehlers Danlos syndrome, arterial type; Ehlers Danlos syndrome, Sack-Barabas type; Ehlers-Danlos Syndrome Type IV. Identifiers: Orphanet 286, MedGen C0268338, MONDO:0017314, OMIM 130050.

Submissions (2):

Ambry Genetics
Classification: Pathogenic for Familial thoracic aortic aneurysm and aortic dissection. Last evaluated: 2025-03-25. Review status: criteria provided, single submitter. Criteria: Ambry Variant Classification Scheme 2023. Collection method: clinical testing. Allele origin: germline.
Comment: The p.E730* pathogenic mutation (also known as c.2188G>T), located in coding exon 31 of the COL3A1 gene, results from a G to T substitution at nucleotide position 2188. This changes the amino acid from a glutamic acid to a stop codon within coding exon 31. This variant is considered to be rare based on population cohorts in the Genome Aggregation Database (gnomAD). This alteration is expected to result in loss of function by premature protein truncation or nonsense-mediated mRNA decay. As such, this alteration is interpreted as a disease-causing mutation.

Labcorp Genetics (formerly Invitae), Labcorp
Classification: Pathogenic for Ehlers-Danlos syndrome, type 4. Last evaluated: 2023-07-25. Review status: criteria provided, single submitter. Criteria: Invitae Variant Classification Sherloc (09022015). Collection method: clinical testing. Allele origin: germline.
Comment: This sequence change creates a premature translational stop signal (p.Glu730*) in the COL3A1 gene. It is expected to result in an absent or disrupted protein product. Loss-of-function variants in COL3A1 are known to be pathogenic (PMID: 24922459). This variant is not present in population databases (gnomAD no frequency). This variant has not been reported in the literature in individuals affected with COL3A1-related conditions. For these reasons, this variant has been classified as Pathogenic.

Literature cited by the submitters: PubMed 24922459 (cited by Labcorp Genetics (formerly Invitae), Labcorp).